The following is an entry in ClinVar:

ClinVar aggregate classification (germline): Uncertain significance (1 of 4 stars; one submission).

Allele frequency attached by ClinVar (database versions not stated): gnomAD exomes below 0.00001.
gnomAD v4.1: 2 of 1,612,566 alleles (0.00012%); highest among the groups gnomAD compares: Admixed American, 0.0017%; no homozygotes.

Submission:

Labcorp Genetics (formerly Invitae), Labcorp
Classification: Uncertain significance. Last evaluated: 2024-10-26. Review status: criteria provided, single submitter. Criteria: Invitae Variant Classification Sherloc (09022015). Collection method: clinical testing. Allele origin: germline.
Comment: This sequence change replaces phenylalanine, which is neutral and non-polar, with leucine, which is neutral and non-polar, at codon 1799 of the LAMA5 protein (p.Phe1799Leu). This variant is not present in population databases (gnomAD no frequency). This variant has not been reported in the literature in individuals affected with LAMA5-related conditions. An algorithm developed to predict the effect of missense changes on protein structure and function (PolyPhen-2) suggests that this variant is likely to be tolerated. In summary, the available evidence is currently insufficient to determine the role of this variant in disease. Therefore, it has been classified as a Variant of Uncertain Significance.

NM_005560.6(LAMA5):c.5397C>A (p.Phe1799Leu)

Gene: LAMA5 (laminin subunit alpha 5; minus strand). Cytogenetic location: 20q13.33.
Variant type: single nucleotide variant.
Coding change: c.5397C>A on transcript NM_005560.6 (MANE Select); coding-DNA position 5397, C replaced by A.
Protein change: p.Phe1799Leu; replaces phenylalanine 1799 with leucine.
Molecular consequence: missense variant.
Genome position (GRCh38, 1-based): chr20:62,325,448, G>T on the plus strand (C>A on the coding strand, the complement: LAMA5 is on the minus strand). VCF-style: chr20-62325448-G-T. GRCh37 (hg19) VCF-style: chr20-60900504-G-T.
Other names: short protein forms F1799L.
Identifiers: ClinVar variation 2967773 (VCV002967773.3), dbSNP rs926754485, ClinGen allele CA317252986.